The following is an entry in ClinVar:

NM_004393.6(DAG1):c.2420C>T (p.Ser807Phe)

Gene: DAG1 (dystroglycan 1; plus strand). Cytogenetic location: 3p21.31.
Variant type: single nucleotide variant.
Coding change: c.2420C>T on transcript NM_004393.6 (MANE Select); coding-DNA position 2420, C replaced by T.
Protein change: p.Ser807Phe; replaces serine 807 with phenylalanine.
Molecular consequence: missense variant.
Genome position (GRCh38, 1-based): chr3:49,532,931, C>T. VCF-style: chr3-49532931-C-T. GRCh37 (hg19) VCF-style: chr3-49570364-C-T.
Other names: c.2420C>T, p.Ser807Phe (NM_001165928.4, NM_001177634.3, NM_001177635.3 and 9 more transcripts); short protein forms S807F.
Identifiers: ClinVar variation 2149705 (VCV002149705.1), dbSNP rs576558444, ClinGen allele CA352797934.

ClinVar aggregate classification (germline): Uncertain significance (1 of 4 stars; one submission).

Conditions:
Autosomal recessive limb-girdle muscular dystrophy type 2P. Also called: Limb-Girdle Muscular Dystrophy Type 9C; MUSCULAR DYSTROPHY, LIMB-GIRDLE, TYPE 2P; MUSCULAR DYSTROPHY-DYSTROGLYCANOPATHY, LIMB-GIRDLE, DAG1-RELATED. Identifiers: Orphanet 280333, MedGen C4511963, MONDO:0013440, OMIM 613818.
Muscular dystrophy-dystroglycanopathy (congenital with brain and eye anomalies), type A9. Also called: Muscular dystrophy-dystroglycanopathy (congenital with brain and eye anomalies), type a, 9; WALKER-WARBURG SYNDROME OR MUSCLE-EYE BRAIN DISEASE, DAG1-RELATED. Identifiers: Orphanet 370997, Orphanet 899, MedGen C4225291, MONDO:0014683, OMIM 616538.

Allele frequency attached by ClinVar (database versions not stated): gnomAD exomes below 0.00001.
gnomAD v4.1: 2 of 1,613,990 alleles (0.00012%); highest among the groups gnomAD compares: Non-Finnish European, 0.00017%; no homozygotes.

Submission:

Labcorp Genetics (formerly Invitae), Labcorp
Classification: Uncertain significance for Autosomal recessive limb-girdle muscular dystrophy type 2P; Muscular dystrophy-dystroglycanopathy (congenital with brain and eye anomalies), type A9. Last evaluated: 2022-03-27. Review status: criteria provided, single submitter. Criteria: Invitae Variant Classification Sherloc (09022015). Collection method: clinical testing. Allele origin: germline.
Comment: This sequence change replaces serine, which is neutral and polar, with phenylalanine, which is neutral and non-polar, at codon 807 of the DAG1 protein (p.Ser807Phe). This variant is not present in population databases (gnomAD no frequency). This variant has not been reported in the literature in individuals affected with DAG1-related conditions. Algorithms developed to predict the effect of missense changes on protein structure and function are either unavailable or do not agree on the potential impact of this missense change (SIFT: "Deleterious"; PolyPhen-2: "Probably Damaging"; Align-GVGD: "Class C0"). In summary, the available evidence is currently insufficient to determine the role of this variant in disease. Therefore, it has been classified as a Variant of Uncertain Significance.